The following is an entry in ClinVar:

ClinVar aggregate classification (germline): Uncertain significance (1 of 4 stars; one submission).

Conditions:
Chédiak-Higashi syndrome (CHS). Also called: Chediak-Higashi Syndrome. Identifiers: Orphanet 167, MedGen C0007965, MONDO:0008963, OMIM 214500.

Allele frequency attached by ClinVar (database versions not stated): gnomAD exomes 0.00001; gnomAD 0.00011; TOPMed 0.00012.
gnomAD v4.1: 26 of 1,613,138 alleles (0.0016%); highest among the groups gnomAD compares: Admixed American, 0.042%; no homozygotes.

Submission:

Labcorp Genetics (formerly Invitae), Labcorp
Classification: Uncertain significance for Chédiak-Higashi syndrome. Last evaluated: 2022-03-09. Review status: criteria provided, single submitter. Criteria: Invitae Variant Classification Sherloc (09022015). Collection method: clinical testing. Allele origin: germline.
Comment: This sequence change replaces methionine, which is neutral and non-polar, with isoleucine, which is neutral and non-polar, at codon 2071 of the LYST protein (p.Met2071Ile). This variant is present in population databases (no rsID available, gnomAD 0.03%). This variant has not been reported in the literature in individuals affected with LYST-related conditions. Algorithms developed to predict the effect of missense changes on protein structure and function output the following: SIFT: "Tolerated"; PolyPhen-2: "Benign"; Align-GVGD: "Class C0". The isoleucine amino acid residue is found in multiple mammalian species, which suggests that this missense change does not adversely affect protein function. Algorithms developed to predict the effect of sequence changes on RNA splicing suggest that this variant may disrupt the consensus splice site. In summary, the available evidence is currently insufficient to determine the role of this variant in disease. Therefore, it has been classified as a Variant of Uncertain Significance.

NM_000081.4(LYST):c.6213G>A (p.Met2071Ile)

Gene: LYST (lysosomal trafficking regulator; minus strand). Cytogenetic location: 1q42.3.
Variant type: single nucleotide variant.
Coding change: c.6213G>A on transcript NM_000081.4 (MANE Select); coding-DNA position 6213, G replaced by A.
Protein change: p.Met2071Ile; replaces methionine 2071 with isoleucine.
Molecular consequence: missense variant.
Genome position (GRCh38, 1-based): chr1:235,762,760, C>T on the plus strand (G>A on the coding strand, the complement: LYST is on the minus strand). VCF-style: chr1-235762760-C-T. GRCh37 (hg19) VCF-style: chr1-235926060-C-T.
Other names: c.6213G>A, p.Met2071Ile (NM_001301365.1); short protein forms M2071I.
Identifiers: ClinVar variation 2060764 (VCV002060764.1), dbSNP rs1298847227, ClinGen allele CA344944915.